The following is an entry in ClinVar:

ClinVar aggregate classification (germline): Uncertain significance (1 of 4 stars; one submission).

Conditions:
TBC1D20-related disorder. Also called: TBC1D20-related condition.

Submission:

PreventionGenetics, part of Exact Sciences
Classification: Uncertain significance for TBC1D20-related condition. Last evaluated: 2026-03-18. Review status: criteria provided, single submitter. Criteria: ACMG Guidelines, 2015. Collection method: clinical testing. Allele origin: germline.
Comment: The TBC1D20 c.173delG variant is predicted to result in a frameshift and premature protein termination (p.Gly58Glufs*4). To our knowledge, this variant has not been reported in the literature or in a large population database (gnomAD), indicating this variant is rare. To our knowledge, no upstream loss of function variants have been reported in individuals with TBC1D20. Although we suspect that this variant may be pathogenic, at this time, the clinical significance of this variant is uncertain due to the absence of conclusive functional and genetic evidence.

NM_144628.4(TBC1D20):c.173del (p.Gly58fs)

Gene: TBC1D20 (TBC1 domain family member 20; minus strand). Cytogenetic location: 20p13.
Variant type: Deletion.
Coding change: c.173del on transcript NM_144628.4 (MANE Select); coding-DNA position 173, one base deleted (G; older notation c.173delG).
Protein change: p.Gly58fs; shifts the reading frame from glycine 58.
Molecular consequence: frameshift variant. On other transcripts: non-coding transcript variant (1).
Genome position (GRCh38, 1-based): chr20:447,972, C deleted on the plus strand (G on the coding strand, the reverse complement: TBC1D20 is on the minus strand); the first of 2 consecutive C bases (chr20:447,972-447,973); deleting either gives the same sequence. VCF-style (leftmost placement, unchanged base first): chr20-447971-TC-T. GRCh37 (hg19) VCF-style: chr20-428615-TC-T.
Other names: short protein forms G58fs.
Identifiers: ClinVar variation 4983754 (VCV004983754.1).